The following is an entry in ClinVar:

NM_001256715.2(DNAAF3):c.1408G>C (p.Glu470Gln)

Gene: DNAAF3 (dynein axonemal assembly factor 3; minus strand). Cytogenetic location: 19q13.42.
Variant type: single nucleotide variant.
Coding change: c.1408G>C on transcript NM_001256715.2 (MANE Select); coding-DNA position 1408, G replaced by C.
Protein change: p.Glu470Gln; replaces glutamic acid 470 with glutamine.
Molecular consequence: missense variant.
Genome position (GRCh38, 1-based): chr19:55,159,280, C>G on the plus strand (G>C on the coding strand, the complement: DNAAF3 is on the minus strand). VCF-style: chr19-55159280-C-G. GRCh37 (hg19) VCF-style: chr19-55670648-C-G.
Other names: c.1609G>C, p.Glu537Gln (NM_001256714.1); c.1246G>C, p.Glu416Gln (NM_001256716.2); c.1549G>C, p.Glu517Gln (NM_178837.4); short protein forms E416Q, E537Q, E470Q, E517Q.
Identifiers: ClinVar variation 2163986 (VCV002163986.4), dbSNP rs2515510425, ClinGen allele CA407446231.
Genomic context (GRCh38, chr19:55,159,280, plus strand): 5'-GGGCTGGGTTGCTGGCTTCAAGAGGCTGGGCCAGGATGTCAAGGGGCGGAGTTCCGGGTT[C>G]CACAGCTGGGACAGTGTTGCCCAGAGCTGATTCCTGGGACTTGCAGAAACGTGCGAAGGT-3'
Protein context (NP_001243644.1, residues 460-480): SALGNTVPAV[Glu470Gln]PGTPPLDILA

ClinVar aggregate classification (germline): Uncertain significance (1 of 4 stars; one submission).

Conditions:
Primary ciliary dyskinesia. Also called: Ciliary dyskinesia. Identifiers: Orphanet 244, MedGen C0008780, MONDO:0016575, HP:0012265.

Allele frequency attached by ClinVar (database versions not stated): gnomAD exomes below 0.00001.
gnomAD v4.1: 1 of 1,614,076 alleles (0.000062%); highest among the groups gnomAD compares: Non-Finnish European, 0.000085%; no homozygotes.

Submission:

Labcorp Genetics (formerly Invitae), Labcorp
Classification: Uncertain significance for Primary ciliary dyskinesia. Last evaluated: 2022-10-27. Review status: criteria provided, single submitter. Criteria: Invitae Variant Classification Sherloc (09022015). Collection method: clinical testing. Allele origin: germline.
Comment: In summary, the available evidence is currently insufficient to determine the role of this variant in disease. Therefore, it has been classified as a Variant of Uncertain Significance. Algorithms developed to predict the effect of missense changes on protein structure and function (SIFT, PolyPhen-2, Align-GVGD) all suggest that this variant is likely to be tolerated. This variant has not been reported in the literature in individuals affected with DNAAF3-related conditions. This variant is not present in population databases (gnomAD no frequency). This sequence change replaces glutamic acid, which is acidic and polar, with glutamine, which is neutral and polar, at codon 537 of the DNAAF3 protein (p.Glu537Gln).